The following is an entry in ClinVar:

NM_000273.3(GPR143):c.686G>T (p.Gly229Val)

Gene: GPR143 (G protein-coupled receptor 143; minus strand). Cytogenetic location: Xp22.2.
Variant type: single nucleotide variant.
Coding change: c.686G>T on transcript NM_000273.3 (MANE Select); coding-DNA position 686, G replaced by T.
Protein change: p.Gly229Val; replaces glycine 229 with valine.
Molecular consequence: missense variant.
Genome position (GRCh38, 1-based): chrX:9,743,646, C>A on the plus strand (G>T on the coding strand, the complement: GPR143 is on the minus strand). VCF-style: chrX-9743646-C-A. GRCh37 (hg19) VCF-style: chrX-9711686-C-A.
Other names: short protein forms G229V.
Identifiers: ClinVar variation 98639 (VCV000098639.3), dbSNP rs62635037, ClinGen allele CA226189.
Genomic context (GRCh38, chrX:9,743,646, plus strand): 5'-ATTTTGAAAAATCGGATCTTGATCACGGCTCCCATCCTCCTCTCGTTCTCCGTGTAAATG[C>A]CTTGTCTTCCTTTAAGTAAAGAGGCCACTGTGAAGAACAGAAGGAACTATGTATGGTGTT-3'
Protein context (NP_000264.2, residues 219-239): AVASLLKGRQ[Gly229Val]IYTENERRMG

ClinVar aggregate classification (germline): Conflicting classifications of pathogenicity. Review status: criteria provided, conflicting classifications (1 of 4 stars). 3 submissions from 3 submitters: Likely pathogenic (1); Uncertain significance (1). 1 of the submissions does not count toward it. Last evaluated 2025-03-12.

Submissions (3):

Labcorp Genetics (formerly Invitae), Labcorp
Classification: Uncertain significance. Last evaluated: 2025-03-12. Review status: criteria provided, single submitter. Criteria: Invitae Variant Classification Sherloc (09022015). Collection method: clinical testing. Allele origin: germline.
Comment: This sequence change replaces glycine, which is neutral and non-polar, with valine, which is neutral and non-polar, at codon 229 of the GPR143 protein (p.Gly229Val). This variant is not present in population databases (gnomAD no frequency). This missense change has been observed in individual(s) with ocular albinism (PMID: 11214907). ClinVar contains an entry for this variant (Variation ID: 98639). Invitae Evidence Modeling of protein sequence and biophysical properties (such as structural, functional, and spatial information, amino acid conservation, physicochemical variation, residue mobility, and thermodynamic stability) indicates that this missense variant is expected to disrupt GPR143 protein function with a positive predictive value of 95%. Experimental studies have shown that this missense change does not substantially affect GPR143 function (PMID: 11115845). In summary, the available evidence is currently insufficient to determine the role of this variant in disease. Therefore, it has been classified as a Variant of Uncertain Significance.

GeneDx
Classification: Likely pathogenic. Last evaluated: 2017-09-12. Review status: criteria provided, single submitter. Criteria: GeneDx Variant Classification (06012015). Collection method: clinical testing. Allele origin: germline. Affected: yes.
Comment: The G229V variant in the GPR143 gene has been reported previously in an individual with ocular albinism (Bassi et al., 2001). The G229V variant is not observed in large population cohorts (Lek et al., 2016; 1000 Genomes Consortium et al., 2015; Exome Variant Server). The G229V variant is a conservative amino acid substitution, which is not likely to impact secondary protein structure as these residues share similar properties. This substitution occurs at a position that is conserved across species. In silico analysis predicts this variant is probably damaging to the protein structure/function. We interpret G229V as a likely pathogenic variant.

Retina International
No classification provided. Review status: no classification provided. Collection method: not provided. Allele origin: not provided. Not counted in ClinVar's aggregate classification.

Literature cited by the submitters: PubMed 11214907 (cited by Labcorp Genetics (formerly Invitae), Labcorp); PubMed 11115845 (cited by Labcorp Genetics (formerly Invitae), Labcorp).